The following is an entry in ClinVar:

NM_031935.3(HMCN1):c.16886C>G (p.Ala5629Gly)

Gene: HMCN1 (hemicentin 1; plus strand). Cytogenetic location: 1q31.1.
Variant type: single nucleotide variant.
Coding change: c.16886C>G on transcript NM_031935.3 (MANE Select); coding-DNA position 16886, C replaced by G.
Protein change: p.Ala5629Gly; replaces alanine 5629 with glycine.
Molecular consequence: missense variant.
Genome position (GRCh38, 1-based): chr1:186,189,856, C>G. VCF-style: chr1-186189856-C-G. GRCh37 (hg19) VCF-style: chr1-186158988-C-G.
Other names: c.16886C>G (NM_031935.2); short protein forms A5629G.
Identifiers: ClinVar variation 2185038 (VCV002185038.6), dbSNP rs142931521, ClinGen allele CA1295669.

ClinVar aggregate classification (germline): Uncertain significance. Review status: criteria provided, multiple submitters, no conflicts (2 of 4 stars). 3 submissions from 3 submitters: Uncertain significance (3). Last evaluated 2025-07-30.

Conditions:
Age related macular degeneration 1 (ARMD1). Also called: MACULOPATHY, AGE-RELATED, 1. Identifiers: MedGen C1864205, MONDO:0011285, OMIM 603075.

Allele frequency attached by ClinVar (database versions not stated): ExAC 0.00003; gnomAD 0.00004; gnomAD exomes 0.00006; TOPMed 0.00006; ESP Exome Variant Server 0.00015.
gnomAD v4.1: 109 of 1,613,608 alleles (0.0068%); highest among the groups gnomAD compares: Non-Finnish European, 0.0081%; no homozygotes.

Submissions (3):

Labcorp Genetics (formerly Invitae), Labcorp
Classification: Uncertain significance. Last evaluated: 2025-07-30. Review status: criteria provided, single submitter. Criteria: Invitae Variant Classification Sherloc (09022015). Collection method: clinical testing. Allele origin: germline.
Comment: This sequence change replaces alanine, which is neutral and non-polar, with glycine, which is neutral and non-polar, at codon 5629 of the HMCN1 protein (p.Ala5629Gly). This variant is present in population databases (rs142931521, gnomAD 0.004%). This variant has not been reported in the literature in individuals affected with HMCN1-related conditions. ClinVar contains an entry for this variant (Variation ID: 2185038). An algorithm developed to predict the effect of missense changes on protein structure and function (PolyPhen-2) suggests that this variant is likely to be disruptive. Algorithms developed to predict the effect of sequence changes on RNA splicing suggest that this variant may create or strengthen a splice site. In summary, the available evidence is currently insufficient to determine the role of this variant in disease. Therefore, it has been classified as a Variant of Uncertain Significance.

Genome-Nilou Lab
Classification: Uncertain significance for Age related macular degeneration 1. Last evaluated: 2023-04-11. Review status: criteria provided, single submitter. Criteria: ACMG Guidelines, 2015. Collection method: clinical testing. Allele origin: germline. Affected: no.

Ambry Genetics
Classification: Uncertain significance. Last evaluated: 2021-06-11. Review status: criteria provided, single submitter. Criteria: Ambry Variant Classification Scheme 2023. Collection method: clinical testing. Allele origin: germline.